The following is an entry in ClinVar:

NM_022336.4(EDAR):c.*2078T>C

Genes: EDAR (ectodysplasin A receptor; minus strand), RANBP2 (RAN binding protein 2; plus strand). Cytogenetic location: 2q13.
Variant type: single nucleotide variant.
Coding change: c.*2078T>C on transcript NM_022336.4 (MANE Select); 2078 bases downstream of the stop codon, T replaced by C.
Molecular consequence: 3 prime UTR variant.
Genome position (GRCh38, 1-based): chr2:108,894,829, A>G on the plus strand (T>C on the coding strand, the complement: EDAR is on the minus strand). VCF-style: chr2-108894829-A-G. GRCh37 (hg19) VCF-style: chr2-109511285-A-G.
Identifiers: ClinVar variation 894456 (VCV000894456.4), dbSNP rs115501541, ClinGen allele CA53462778.

ClinVar aggregate classification (germline): Benign (1 of 4 stars; one submission).

Conditions:
Hypohidrotic ectodermal dysplasia (HED). Identifiers: Orphanet 238468, MedGen C5848103, MONDO:0016535, HP:0007607.

Allele frequency attached by ClinVar (database versions not stated): TOPMed 0.00315; gnomAD 0.00324 and 0.00316; 1000 Genomes Project 30x 0.00703; 1000 Genomes Project 0.00639.

Submission:

Illumina Laboratory Services, Illumina
Classification: Benign for Hypohidrotic ectodermal dysplasia. Last evaluated: 2018-01-13. Review status: criteria provided, single submitter. Criteria: ICSL Variant Classification Criteria 13 December 2019. Collection method: clinical testing. Allele origin: germline.
Comment: This variant was observed in the ICSL laboratory as part of a predisposition screen in an ostensibly healthy population. It had not been previously curated by ICSL or reported in the Human Gene Mutation Database (HGMD: prior to June 1st, 2018), and was therefore a candidate for classification through an automated scoring system. Utilizing variant allele frequency, disease prevalence and penetrance estimates, and inheritance mode, an automated score was calculated to assess if this variant is too frequent to cause the disease. Based on the score and internal cut-off values, a variant classified as benign is not then subjected to further curation. The score for this variant resulted in a classification of benign for this disease.